The following is an entry in ClinVar:

NM_004655.4(AXIN2):c.1202A>G (p.Asp401Gly)

Gene: AXIN2 (axin 2; minus strand). Cytogenetic location: 17q24.1.
Variant type: single nucleotide variant.
Coding change: c.1202A>G on transcript NM_004655.4 (MANE Select); coding-DNA position 1202, A replaced by G.
Protein change: p.Asp401Gly; replaces aspartic acid 401 with glycine.
Molecular consequence: missense variant.
Genome position (GRCh38, 1-based): chr17:65,537,834, T>C on the plus strand (A>G on the coding strand, the complement: AXIN2 is on the minus strand). VCF-style: chr17-65537834-T-C. GRCh37 (hg19) VCF-style: chr17-63533952-T-C.
Other names: c.1202A>G (LRG_296t1); c.1202A>G, p.Asp401Gly (NM_001363813.1); short protein forms D401G.
Identifiers: ClinVar variation 533207 (VCV000533207.17), dbSNP rs772221969, ClinGen allele CA400677976.

ClinVar aggregate classification (germline): Uncertain significance. Review status: criteria provided, multiple submitters, no conflicts (2 of 4 stars). 4 submissions from 4 submitters: Uncertain significance (4). Last evaluated 2025-06-23.

Conditions:
Colorectal cancer. Also called: Colorectal cancer, somatic; Malignant Colorectal Neoplasm. Identifiers: MedGen C0346629, MONDO:0005575, OMIM 114500.
Hereditary cancer-predisposing syndrome. Also called: Neoplastic Syndromes, Hereditary; Hereditary Cancer Syndrome; Tumor predisposition; Hereditary neoplastic syndrome. Identifiers: Orphanet 140162, MedGen C0027672, MeSH D009386, MONDO:0015356.
Oligodontia-cancer predisposition syndrome. Also called: TOOTH AGENESIS-COLORECTAL CANCER SYNDROME. Identifiers: Orphanet 300576, MedGen C1837750, MONDO:0012075, OMIM 608615. Disease mechanism: loss of function.

gnomAD v4.1: 4 of 1,550,640 alleles (0.00026%); highest among the groups gnomAD compares: Non-Finnish European, 0.00035%; no homozygotes.

Submissions (4):

Ambry Genetics
Classification: Uncertain significance for Hereditary cancer-predisposing syndrome. Last evaluated: 2025-06-23. Review status: criteria provided, single submitter. Criteria: Ambry Variant Classification Scheme 2023. Collection method: clinical testing. Allele origin: germline.
Comment: The p.D401G variant (also known as c.1202A>G), located in coding exon 5 of the AXIN2 gene, results from an A to G substitution at nucleotide position 1202. The aspartic acid at codon 401 is replaced by glycine, an amino acid with similar properties. This amino acid position is well conserved in available vertebrate species. In addition, the in silico prediction for this alteration is inconclusive. Since supporting evidence is limited at this time, the clinical significance of this alteration remains unclear.

Labcorp Genetics (formerly Invitae), Labcorp
Classification: Uncertain significance for Oligodontia-cancer predisposition syndrome. Last evaluated: 2024-09-28. Review status: criteria provided, single submitter. Criteria: Invitae Variant Classification Sherloc (09022015). Collection method: clinical testing. Allele origin: germline.
Comment: This sequence change replaces aspartic acid, which is acidic and polar, with glycine, which is neutral and non-polar, at codon 401 of the AXIN2 protein (p.Asp401Gly). The frequency data for this variant in the population databases is considered unreliable, as metrics indicate poor data quality at this position in the gnomAD database. This variant has not been reported in the literature in individuals affected with AXIN2-related conditions. ClinVar contains an entry for this variant (Variation ID: 533207). An algorithm developed to predict the effect of missense changes on protein structure and function (PolyPhen-2) suggests that this variant is likely to be tolerated. In summary, the available evidence is currently insufficient to determine the role of this variant in disease. Therefore, it has been classified as a Variant of Uncertain Significance.

Baylor Genetics
Classification: Uncertain significance for Colorectal cancer. Last evaluated: 2024-03-27. Review status: criteria provided, single submitter. Criteria: ACMG Guidelines, 2015. Collection method: clinical testing. Allele origin: unknown.

GeneDx
Classification: Uncertain significance. Last evaluated: 2023-10-26. Review status: criteria provided, single submitter. Criteria: GeneDx Variant Classification Process June 2021. Collection method: clinical testing. Allele origin: germline.
Comment: Not observed at significant frequency in large population cohorts (gnomAD); In silico analysis supports that this missense variant has a deleterious effect on protein structure/function; Has not been previously published as pathogenic or benign to our knowledge; This variant is associated with the following publications: (PMID: 15735151)